The following is an entry in ClinVar:

NM_003000.3(SDHB):c.654G>C (p.Trp218Cys)

Gene: SDHB (succinate dehydrogenase complex iron sulfur subunit B; minus strand). Cytogenetic location: 1p36.13.
Variant type: single nucleotide variant.
Coding change: c.654G>C on transcript NM_003000.3 (MANE Select); coding-DNA position 654, G replaced by C.
Protein change: p.Trp218Cys; replaces tryptophan 218 with cysteine.
Molecular consequence: missense variant.
Genome position (GRCh38, 1-based): chr1:17,022,719, C>G on the plus strand (G>C on the coding strand, the complement: SDHB is on the minus strand). VCF-style: chr1-17022719-C-G. GRCh37 (hg19) VCF-style: chr1-17349214-C-G.
Other names: c.600G>C, p.Trp200Cys (NM_001407361.1); short protein forms W200C, W218C.
Identifiers: ClinVar variation 2950703 (VCV002950703.4), dbSNP rs916516745, ClinGen allele CA338270490.

ClinVar aggregate classification (germline): Conflicting classifications of pathogenicity. Review status: criteria provided, conflicting classifications (1 of 4 stars). 2 submissions from 2 submitters: Likely pathogenic (1); Uncertain significance (1). Last evaluated 2024-03-08.

Conditions:
Pheochromocytoma. Also called: MAX-Related Hereditary Paraganglioma-Pheochromocytoma Syndrome. Identifiers: Orphanet 29072, MedGen C0031511, MONDO:0008233, OMIM 171300, HP:0002666.
Gastrointestinal stromal tumor. Also called: Gastrointestinal stromal tumor, somatic; Gastrointestinal stroma tumor. Identifiers: Orphanet 44890, MedGen C0238198, MeSH D046152, MONDO:0011719, OMIM 606764, HP:0100723.
Pheochromocytoma/paraganglioma syndrome 4. Also called: CAROTID BODY TUMORS AND MULTIPLE EXTRAADRENAL PHEOCHROMOCYTOMAS; PARAGANGLIOMA, FAMILIAL MALIGNANT; PARAGANGLIOMAS, HEREDITARY EXTRAADRENAL; PHEOCHROMOCYTOMA, FAMILIAL EXTRAADRENAL; Paragangliomas 4; SDHB-Related Hereditary Paraganglioma-Pheochromocytoma Syndrome (Paragangliomas 4). Identifiers: Orphanet 29072, MedGen C1861848, MONDO:0007273, OMIM 115310.
Hereditary cancer-predisposing syndrome. Also called: Neoplastic Syndromes, Hereditary; Hereditary neoplastic syndrome; Tumor predisposition; Hereditary Cancer Syndrome. Identifiers: Orphanet 140162, MedGen C0027672, MeSH D009386, MONDO:0015356.

gnomAD v4.1: 1 of 1,613,726 alleles (0.000062%); highest among the groups gnomAD compares: Non-Finnish European, 0.000085%; no homozygotes.

Submissions (2):

Ambry Genetics
Classification: Likely pathogenic for Hereditary cancer-predisposing syndrome. Last evaluated: 2024-03-08. Review status: criteria provided, single submitter. Criteria: Ambry Variant Classification Scheme 2023. Collection method: clinical testing. Allele origin: germline.
Comment: The p.W218C variant (also known as c.654G>C), located in coding exon 7 of the SDHB gene, results from a G to C substitution at nucleotide position 654. The tryptophan at codon 218 is replaced by cysteine, an amino acid with highly dissimilar properties. Another alteration at the same codon, p.W218S (c.653G>C), has been identified in multiple individuals with paragangliomas (Bayley JP et al. BMC Med. Genet., 2006 Jan;7:1). This amino acid position is highly conserved in available vertebrate species. In addition, this alteration is predicted to be deleterious by in silico analysis. This variant is considered to be rare based on population cohorts in the Genome Aggregation Database (gnomAD). Based on the majority of available evidence to date, this variant is likely to be pathogenic.

Labcorp Genetics (formerly Invitae), Labcorp
Classification: Uncertain significance for Gastrointestinal stromal tumor; Pheochromocytoma/paraganglioma syndrome 4; Pheochromocytoma. Last evaluated: 2023-08-21. Review status: criteria provided, single submitter. Criteria: Invitae Variant Classification Sherloc (09022015). Collection method: clinical testing. Allele origin: germline.
Comment: In summary, the available evidence is currently insufficient to determine the role of this variant in disease. Therefore, it has been classified as a Variant of Uncertain Significance. Advanced modeling of protein sequence and biophysical properties (such as structural, functional, and spatial information, amino acid conservation, physicochemical variation, residue mobility, and thermodynamic stability) performed at Invitae indicates that this missense variant is expected to disrupt SDHB protein function. This variant has not been reported in the literature in individuals affected with SDHB-related conditions. This variant is not present in population databases (gnomAD no frequency). This sequence change replaces tryptophan, which is neutral and slightly polar, with cysteine, which is neutral and slightly polar, at codon 218 of the SDHB protein (p.Trp218Cys).